The following is an entry in ClinVar:

ClinVar aggregate classification (germline): Uncertain significance (1 of 4 stars; one submission).

gnomAD v4.1: 6 of 1,613,936 alleles (0.00037%); highest among the groups gnomAD compares: Non-Finnish European, 0.00042%; no homozygotes.

Submission:

Labcorp Genetics (formerly Invitae), Labcorp
Classification: Uncertain significance. Last evaluated: 2025-01-29. Review status: criteria provided, single submitter. Criteria: Invitae Variant Classification Sherloc (09022015). Collection method: clinical testing. Allele origin: germline.
Comment: This sequence change replaces aspartic acid, which is acidic and polar, with asparagine, which is neutral and polar, at codon 1452 of the COL7A1 protein (p.Asp1452Asn). This variant is present in population databases (rs139141593, gnomAD 0.0009%). This variant has not been reported in the literature in individuals affected with COL7A1-related conditions. Invitae Evidence Modeling of protein sequence and biophysical properties (such as structural, functional, and spatial information, amino acid conservation, physicochemical variation, residue mobility, and thermodynamic stability) indicates that this missense variant is not expected to disrupt COL7A1 protein function with a negative predictive value of 95%. In summary, the available evidence is currently insufficient to determine the role of this variant in disease. Therefore, it has been classified as a Variant of Uncertain Significance.

NM_000094.4(COL7A1):c.4354G>A (p.Asp1452Asn)

Gene: COL7A1 (collagen type VII alpha 1 chain; minus strand). Cytogenetic location: 3p21.31.
Variant type: single nucleotide variant.
Coding change: c.4354G>A on transcript NM_000094.4 (MANE Select); coding-DNA position 4354, G replaced by A.
Protein change: p.Asp1452Asn; replaces aspartic acid 1452 with asparagine.
Molecular consequence: missense variant.
Genome position (GRCh38, 1-based): chr3:48,583,603, C>T on the plus strand (G>A on the coding strand, the complement: COL7A1 is on the minus strand). VCF-style: chr3-48583603-C-T. GRCh37 (hg19) VCF-style: chr3-48621036-C-T.
Other names: short protein forms D1452N.
Identifiers: ClinVar variation 3705028 (VCV003705028.1).